The following is an entry in ClinVar:

ClinVar aggregate classification (germline): Conflicting classifications of pathogenicity. Review status: criteria provided, conflicting classifications (1 of 4 stars). 8 submissions from 8 submitters: Likely pathogenic (4); Uncertain significance (4). Last evaluated 2026-09-01.

Conditions:
Tyrosinemia type I (TYRSN1). Also called: Deficiency of fumarylacetoacetase; Tyrosinemia type 1; Fumarylacetoacetase deficiency; HEPATORENAL TYROSINEMIA; FAH DEFICIENCY. Identifiers: Orphanet 882, MedGen C0268490, MONDO:0010161, OMIM 276700. Disease mechanism: loss of function.

Submissions (8):

CeGaT Center for Human Genetics Tuebingen
Classification: Likely pathogenic. Last evaluated: 2026-09-01. Review status: criteria provided, single submitter. Criteria: CeGaT Center For Human Genetics Tuebingen Variant Classification Criteria Version 2. Collection method: clinical testing. Allele origin: germline. Affected: yes. Observed: 1 variant allele.
Comment: FAH: PM2, PM3, PP4:Moderate, PM4:Supporting

Myriad Genetics, Inc.
Classification: Uncertain significance for Tyrosinemia type I. Last evaluated: 2026-03-18. Review status: criteria provided, single submitter. Criteria: Myriad Autosomal Dominant, Autosomal Recessive and X-Linked Classification Criteria (2023). Collection method: clinical testing. Allele origin: unknown.
Comment: NM_000137.2(FAH):c.1097_1099delCGT(S366del) is an in-frame deletion classified as a variant of uncertain significance in the context of tyrosinemia type I. S366del has been observed in cases with relevant disease (PMID: 9633815). Relevant functional assessments of this variant are not available in the literature. S366del has been observed in referenced population frequency databases. In summary, there is insufficient evidence to classify NM_000137.2(FAH):c.1097_1099delCGT(S366del) as pathogenic or benign. Please note: this variant was assessed in the context of healthy population screening.

Women's Health and Genetics/Laboratory Corporation of America, LabCorp
Classification: Uncertain significance. Last evaluated: 2025-09-15. Review status: criteria provided, single submitter. Criteria: LabCorp Variant Classification Summary - May 2015. Collection method: clinical testing. Allele origin: germline.
Comment: Variant summary: FAH c.1097_1099delCGT (p.Ser366del) results in an in-frame deletion that is predicted to remove one amino acid from the encoded protein. The variant allele was found at a frequency of 8e-06 in 251482 control chromosomes. c.1097_1099delCGT has been observed in at least two individual affected with Tyrosinemia Type 1 (example: Bergman_1998). These data indicate that the variant may be associated with disease. To our knowledge, no experimental evidence demonstrating an impact on protein function has been reported. The following publication has been ascertained in the context of this evaluation (PMID: 9633815). ClinVar contains an entry for this variant (Variation ID: 2051160). Based on the evidence outlined above, the variant was classified as VUS-possibly pathogenic.

3billion
Classification: Uncertain significance for Tyrosinemia type I. Last evaluated: 2025-06-03. Review status: criteria provided, single submitter. Criteria: ACMG Guidelines, 2015. Collection method: clinical testing. Allele origin: germline. Affected: yes.
Comment: The variant is observed at an extremely low frequency in the gnomAD v4.1.0 dataset (total allele frequency: 0.001%). Predicted Consequence/Location: Inframe deletion located in a nonrepeat region: predicted to change the length of the protein and disrupt normal protein function. The variant has been reported to be associated with FAH-related disorder (PMID: 9633815). However, the evidence of pathogenicity is insufficient at this time. Therefore, this variant is classified as VUS according to the recommendation of ACMG/AMP guideline.

Natera, Inc.
Classification: Likely pathogenic for Tyrosinemia type I. Last evaluated: 2024-10-11. Review status: criteria provided, single submitter. Criteria: Natera Variant Classification Schema (03/2026). Collection method: clinical testing. Allele origin: germline.
Comment: The c.1097_1099delCGT variant in FAH is an in-frame deletion predicted to remove serine at amino acid 366 while preserving the reading frame. This variant is rare in the general population with a frequency below the threshold expected for the associated phenotype(s). This variant has been observed in one or more individuals affected with the associated recessive disease, as either homozygous or compound heterozygous with a second variant (PMID: 9633815). This variant results in a change to the protein length while preserving reading frame, which may disrupt normal protein structure or function. Computational prediction algorithms indicate this variant is likely to affect gene or protein function. Given the available evidence, this variant is classified as Likely Pathogenic.

Baylor Genetics
Classification: Likely pathogenic for Tyrosinemia type I. Last evaluated: 2024-03-21. Review status: criteria provided, single submitter. Criteria: ACMG Guidelines, 2015. Collection method: clinical testing. Allele origin: unknown.

Fulgent Genetics
Classification: Likely pathogenic for Tyrosinemia type I. Last evaluated: 2024-02-05. Review status: criteria provided, single submitter. Criteria: ACMG Guidelines, 2015. Collection method: clinical testing. Allele origin: germline.

Labcorp Genetics (formerly Invitae), Labcorp
Classification: Uncertain significance for Tyrosinemia type I. Last evaluated: 2022-05-27. Review status: criteria provided, single submitter. Criteria: Invitae Variant Classification Sherloc (09022015). Collection method: clinical testing. Allele origin: germline.
Comment: This variant, c.1097_1099del, results in the deletion of 1 amino acid(s) of the FAH protein (p.Ser366del), but otherwise preserves the integrity of the reading frame. This variant is present in population databases (no rsID available, gnomAD 0.002%). This variant has been observed in individual(s) with tyrosinemia type I (PMID: 9633815). This variant is also known as 1153DELCGT. Experimental studies and prediction algorithms are not available or were not evaluated, and the functional significance of this variant is currently unknown. In summary, the available evidence is currently insufficient to determine the role of this variant in disease. Therefore, it has been classified as a Variant of Uncertain Significance.

Literature cited by the submitters: PubMed 9633815 (cited by 5 submitters).

NM_000137.4(FAH):c.1097_1099del (p.Ser366del)

Gene: FAH (fumarylacetoacetate hydrolase; plus strand). Cytogenetic location: 15q25.1.
Variant type: Deletion.
Coding change: c.1097_1099del on transcript NM_000137.4 (MANE Select); coding-DNA positions 1097 to 1099, 3 bases deleted (CGT; older notation c.1097_1099delCGT).
Protein change: p.Ser366del; deletes serine 366.
Molecular consequence: inframe deletion.
Genome position (GRCh38, 1-based): chr15:80,181,076-80,181,078, CGT deleted; deleting any 3 consecutive bases within chr15:80,181,074-80,181,078 gives the same sequence; the c. name uses the placement nearest the transcript's 3' end. VCF-style (leftmost placement, unchanged base first): chr15-80181073-TGTC-T. GRCh37 (hg19) VCF-style: chr15-80473415-TGTC-T.
Other names: c.1097_1099del, p.Ser366del (NM_001374377.1, NM_001374380.1); c.1097_1099delCGT (NM_000137.4, NM_000137.2); short protein forms S366del.
Identifiers: ClinVar variation 2051160 (VCV002051160.9), dbSNP rs1342338851, ClinGen allele CA619271959.